The following continues an entry in ClinVar:

NM_000038.6(APC):c.295C>T (p.Arg99Trp)

Gene: APC. ClinVar aggregate classification (germline): Benign. Benign (1).

Submissions 19 to 26 of 26:

Laboratory for Molecular Medicine, Mass General Brigham Personalized Medicine
Classification: Uncertain significance. Last evaluated: 2017-01-10. Review status: criteria provided, single submitter. Criteria: LMM Criteria. Collection method: clinical testing. Allele origin: germline. Not counted in ClinVar's aggregate classification.
Comment: Variant identified in a genome or exome case(s) and assessed due to predicted null impact of the variant or pathogenic assertions in the literature or databases. Disclaimer: This variant has not undergone full assessment. Penetrance of APC is close to 100%. MaxMAF is 0.064% (higher than frequency of FAP).

Women's Health and Genetics/Laboratory Corporation of America, LabCorp
Classification: Benign. Last evaluated: 2016-04-18. Review status: criteria provided, single submitter. Criteria: LabCorp Variant Classification Summary - May 2015. Collection method: clinical testing. Allele origin: germline. Not counted in ClinVar's aggregate classification.
Comment: Variant summary: The APC c.295C>T variant affects a non-conserved nucleotide, resulting in an amino acid change from a large size and basic Arg to a large size and aromatic Trp. 5/5 in-silico tools predict a damaging outcome for this variant, but these predictions have not been verified with functional studies. This variant was found in 48/121376 control chromosomes at a frequency of 0.0003955, which is about 7 times the maximal expected frequency of a pathogenic APC allele (0.0000602), suggesting this variant is benign. Furthermore, the variant was shown not to co-segregate with disease in one family (Dobbie_Eur J Cancer_1994), and the variant was reported to co-occur with deleterious APC variants, p.S1222X and large deletion of exon 15, respectively (Kerr_JMD_2013). In addition, several clinical laboratories classified this variant as benign/likely benign. Taken together, this variant was classified as benign.

University of Washington Department of Laboratory Medicine, University of Washington
Classification: Uncertain significance for Colorectal cancer, susceptibility to. Last evaluated: 2016-03-25. Review status: criteria provided, single submitter. Criteria: Shirts et al. (Genet Med 2016). Collection method: clinical testing. Allele origin: germline. Affected: yes. Observed: 1 variant allele. Segregation with disease not observed. Not counted in ClinVar's aggregate classification.

Color Diagnostics, LLC DBA Color Health
Classification: Likely benign for Hereditary cancer-predisposing syndrome. Last evaluated: 2016-03-18. Review status: criteria provided, single submitter. Criteria: ACMG Guidelines, 2015. Collection method: clinical testing. Allele origin: germline. Not counted in ClinVar's aggregate classification.

Counsyl
Classification: Uncertain significance for Familial adenomatous polyposis 1. Last evaluated: 2016-01-15. Review status: no assertion criteria provided. Collection method: clinical testing. Allele origin: unknown. Not counted in ClinVar's aggregate classification.

CSER _CC_NCGL, University of Washington
Classification: Uncertain significance for Adenomatous polyposis coli. Last evaluated: 2014-06-01. Review status: no assertion criteria provided. Collection method: research. Allele origin: germline. Inheritance: Autosomal dominant inheritance. Study: ESP 6500 variant annotation. Not counted in ClinVar's aggregate classification.
Comment: Variants classified for the Actionable exomic incidental findings in 6503 participants: challenges of variant classification manuscript

Department of Pathology and Laboratory Medicine, Sinai Health System
Classification: Likely benign for Carcinoma of colon. Review status: no assertion criteria provided. Collection method: clinical testing. Allele origin: unknown. Affected: yes. Study: The Canadian Open Genetics Repository (COGR). Not counted in ClinVar's aggregate classification.
Comment: The APC p.Arg99Trp variant was identified in 7 of 3802 proband chromosomes (frequency: 0.002) from individuals or families with hamartomatous polyposis syndrome and familial adenomatous polyposis (Dobbie 1996, Heinimann 2001, Out 2015, Jelsig 2016, Kerr 2013). The variant was identified in dbSNP (rs139196838) as â€šÃ„Ãºwith uncertain significance, other alleleâ€šÃ„Ã¹, ClinVar (classified as uncertain significance by Counsyl, Mayo Clinic, Quest Diagnostics and 4 other submitters, likely benign by Color, Ambry Genetics, GeneDx and Sinai Health System and benign by Invitae and Integrated Genetics), LOVD 3.0 (observed 11x) and UMD-LSDB. The variant was identified in control databases in 113 of 282,846 chromosomes at a frequency of 0.0004 increasing the likelihood this could be a low frequency benign variant (Genome Aggregation Database Feb 27, 2017). The variant was observed in the following populations: European in 95 of 129,170 chromosomes (freq: 0.0007), African in 9 of 24,968 chromosomes (freq: 0.0004), Other in 2 of 7224 chromosomes (freq: 0.0003), Finnish in 3 of 25,118 chromosomes (freq: 0.0001), Latino in 3 of 35,436 chromosomes (freq: 0.00009), East Asian in 1 of 19,944 chromosomes (freq: 0.00005), while the variant was not observed in the Ashkenazi Jewish and South Asian populations. The variant was identified in individuals in trans with pathogenic APC variants (p.Ser1222* and exon 15 deletion) (Kerr 2013). The p.Arg99 residue is conserved in mammals and computational analyses (PolyPhen-2, SIFT, AlignGVGD, BLOSUM, MutationTaster) provide inconsistent predictions regarding the impact to the protein; this information is not very predictive of pathogenicity. The variant occurs outside of the splicing consensus sequence and 1 of 4 in silico or computational prediction software programs (SpliceSiteFinder, MaxEntScan, NNSPLICE, GeneSplicer) predict a greater than 10% difference in splicing; this is not very predictive of pathogenicity. In summary, based on the above information the clinical significance of this variant cannot be determined with certainty at this time although we would lean towards a more benign role for this variant. This variant is classified as likely benign.

Mayo Clinic Laboratories, Mayo Clinic
Classification: Uncertain significance. Review status: no assertion criteria provided. Collection method: research. Allele origin: unknown. Observed: 2 variant alleles. Not counted in ClinVar's aggregate classification.

Literature cited by the submitters: PubMed 27146957 (cited by Center for Genomic Medicine, Rigshospitalet, Copenhagen University Hospital and Quest Diagnostics Nichols Institute San Juan Capistrano); PubMed 11606402 (cited by 3 submitters); PubMed 18166348 (cited by Center for Genomic Medicine, Rigshospitalet, Copenhagen University Hospital); PubMed 32123317 (cited by Quest Diagnostics Nichols Institute San Juan Capistrano); PubMed 34646395 (cited by Quest Diagnostics Nichols Institute San Juan Capistrano); PubMed 26845104 (cited by Quest Diagnostics Nichols Institute San Juan Capistrano and Women's Health and Genetics/Laboratory Corporation of America, LabCorp); PubMed 27153395 (cited by Quest Diagnostics Nichols Institute San Juan Capistrano); PubMed 26332594 (cited by Quest Diagnostics Nichols Institute San Juan Capistrano); PubMed 29371908 (cited by Quest Diagnostics Nichols Institute San Juan Capistrano); PubMed 7833149 (cited by 4 submitters); PubMed 23159591 (cited by 4 submitters); PubMed 8730280 (cited by Quest Diagnostics Nichols Institute San Juan Capistrano); PubMed 8835324 (cited by Quest Diagnostics Nichols Institute San Juan Capistrano and Counsyl); PubMed 25637381 (cited by Quest Diagnostics Nichols Institute San Juan Capistrano); PubMed 24055113 (cited by Quest Diagnostics Nichols Institute San Juan Capistrano); PubMed 24326041 (cited by Women's Health and Genetics/Laboratory Corporation of America, LabCorp); PubMed 23085758 (cited by Women's Health and Genetics/Laboratory Corporation of America, LabCorp); PubMed 25604157 (cited by Counsyl).